The following is an entry in ClinVar:

NM_001171613.2(PREPL):c.-49+1746T>G

Gene: PREPL (prolyl endopeptidase like; minus strand). Cytogenetic location: 2p21.
Variant type: single nucleotide variant.
Coding change: c.-49+1746T>G on transcript NM_001171613.2 (MANE Select); 1746 bases into the intron after 49 bases upstream of the start codon, T replaced by G.
Molecular consequence: intron variant. On other transcripts: missense variant (7).
Genome position (GRCh38, 1-based): chr2:44,359,634, A>C on the plus strand (T>G on the coding strand, the complement: PREPL is on the minus strand). VCF-style: chr2-44359634-A-C. GRCh37 (hg19) VCF-style: chr2-44586773-A-C.
Other names: p.Leu28Val; c.82T>G, p.Leu28Val (NM_001042385.2, NM_001042386.2, NM_001171603.1 and 4 more transcripts); c.-49+1890T>G (NM_001171617.1); c.-49+1783T>G (NM_001374277.1); short protein forms L28V.
Identifiers: ClinVar variation 705472 (VCV000705472.14), dbSNP rs146729699, ClinGen allele CA1641754.
Genomic context (GRCh38, chr2:44,359,634, plus strand): 5'-GGTGATATTTTTTCAATTTTATTCTATTGTAACAATGATCAGCGAAGTTATAGTGATTCA[A>C]ATGCTGTTTCTGCATGCATTTTCCAAGGTGAGGAATACTATACTTCAAAGCTTGGAGAAA-3'

ClinVar aggregate classification (germline): Benign/Likely benign. Review status: criteria provided, multiple submitters, no conflicts (2 of 4 stars). 4 submissions from 4 submitters: Benign (3); Likely benign (1). Last evaluated 2026-08-03.

Conditions:
Myasthenic syndrome, congenital, 22 (CMS22). Also called: PREPL DEFICIENCY. Identifiers: MedGen C4479088, MONDO:0044299, OMIM 616224.
PREPL-related disorder. Also called: PREPL-related condition.

Allele frequency attached by ClinVar (database versions not stated): 1000 Genomes Project 0.00100; TOPMed 0.00023; gnomAD 0.00029 and 0.00035; ESP Exome Variant Server 0.00038; gnomAD exomes 0.00047 and 0.00049; ExAC 0.00053; 1000 Genomes Project 30x 0.00078.
gnomAD v4.1: 739 of 1,612,590 alleles (0.046%); highest among the groups gnomAD compares: South Asian, 0.23%; 5 homozygotes.

Submissions (4):

PreventionGenetics, part of Exact Sciences
Classification: Likely benign for PREPL-related condition. Last evaluated: 2026-08-03. Review status: criteria provided, single submitter. Criteria: ACMG Guidelines, 2015. Collection method: clinical testing. Allele origin: germline.
Comment: This variant is classified as likely benign based on ACMG/AMP sequence variant interpretation guidelines (Richards et al. 2015 PMID: 25741868, with internal and published modifications).

Labcorp Genetics (formerly Invitae), Labcorp
Classification: Benign for Myasthenic syndrome, congenital, 22. Last evaluated: 2026-01-26. Review status: criteria provided, single submitter. Criteria: Invitae Variant Classification Sherloc (09022015). Collection method: clinical testing. Allele origin: germline.

Mayo Clinic Laboratories, Mayo Clinic
Classification: Benign. Last evaluated: 2025-05-02. Review status: criteria provided, single submitter. Criteria: ACMG Guidelines, 2015. Collection method: clinical testing. Allele origin: germline. Observed: 1 variant allele.
Comment: BS1, BS2, BP4_moderate

Breakthrough Genomics
Classification: Benign. Review status: criteria provided, single submitter. Criteria: ACMG Guidelines, 2015. Collection method: not provided. Allele origin: germline. Inheritance: Autosomal recessive inheritance. Affected: yes.